The following is an entry in ClinVar:

NM_015295.3(SMCHD1):c.2161G>C (p.Glu721Gln)

Gene: SMCHD1 (structural maintenance of chromosomes flexible hinge domain containing 1; plus strand). Cytogenetic location: 18p11.32.
Variant type: single nucleotide variant.
Coding change: c.2161G>C on transcript NM_015295.3 (MANE Select); coding-DNA position 2161, G replaced by C.
Protein change: p.Glu721Gln; replaces glutamic acid 721 with glutamine.
Molecular consequence: missense variant.
Genome position (GRCh38, 1-based): chr18:2,707,821, G>C. VCF-style: chr18-2707821-G-C. GRCh37 (hg19) VCF-style: chr18-2707819-G-C.
Other names: short protein forms E721Q.
Identifiers: ClinVar variation 3320901 (VCV003320901.3).

ClinVar aggregate classification (germline): Uncertain significance. Review status: criteria provided, multiple submitters, no conflicts (2 of 4 stars). 2 submissions from 2 submitters: Uncertain significance (2). Last evaluated 2024-11-18.

Conditions:
Inborn genetic diseases. Identifiers: MedGen C0950123, MeSH D030342.
Facioscapulohumeral muscular dystrophy 2 (FSHD2). Also called: MUSCULAR DYSTROPHY, FACIOSCAPULOHUMERAL, TYPE 1B; FACIOSCAPULOHUMERAL MUSCULAR DYSTROPHY 2, DIGENIC; FSHD2, DIGENIC. Identifiers: Orphanet 269, MedGen C1834671, MONDO:0008031, OMIM 158901.

gnomAD v4.1: 17 of 1,604,728 alleles (0.0011%); highest among the groups gnomAD compares: Non-Finnish European, 0.0014%; no homozygotes.

Submissions (2):

Labcorp Genetics (formerly Invitae), Labcorp
Classification: Uncertain significance for Facioscapulohumeral muscular dystrophy 2. Last evaluated: 2024-11-18. Review status: criteria provided, single submitter. Criteria: Invitae Variant Classification Sherloc (09022015). Collection method: clinical testing. Allele origin: germline.
Comment: This sequence change replaces glutamic acid, which is acidic and polar, with glutamine, which is neutral and polar, at codon 721 of the SMCHD1 protein (p.Glu721Gln). This variant is not present in population databases (gnomAD no frequency). This variant has not been reported in the literature in individuals affected with SMCHD1-related conditions. Invitae Evidence Modeling of protein sequence and biophysical properties (such as structural, functional, and spatial information, amino acid conservation, physicochemical variation, residue mobility, and thermodynamic stability) indicates that this missense variant is not expected to disrupt SMCHD1 protein function with a negative predictive value of 80%. In summary, the available evidence is currently insufficient to determine the role of this variant in disease. Therefore, it has been classified as a Variant of Uncertain Significance.

Ambry Genetics
Classification: Uncertain significance for Inborn genetic diseases. Last evaluated: 2024-04-16. Review status: criteria provided, single submitter. Criteria: Ambry Variant Classification Scheme 2023. Collection method: clinical testing. Allele origin: germline.